The following is an entry in ClinVar:

NM_006259.3(PRKG2):c.1901_1902insCAGCCACCTCTTCAGAGAAATGCAAAAATAACCTAACTAGTGATAAAGTGTATATACTTTAAGAGC (p.Trp634delinsCysSerHisLeuPheArgGluMetGlnLysTer)

Gene: PRKG2 (protein kinase cGMP-dependent 2; minus strand). Cytogenetic location: 4q21.21.
Variant type: Insertion.
Coding change: c.1901_1902insCAGCCACCTCTTCAGAGAAATGCAAAAATAACCTAACTAGTGATAAAGTGTATATACTTTAAGAGC on transcript NM_006259.3 (MANE Select); coding-DNA positions 1901 to 1902, CAGCCACCTCTTCAGAGAAATGCAAAAATAACCTAACTAGTGATAAAGTGTATATACTTTAAGAGC inserted.
Protein change: p.Trp634delinsCysSerHisLeuPheArgGluMetGlnLysTer.
Molecular consequence: nonsense.
Genome position: GRCh38: chr4:81,110,486-81,110,487. GRCh37 (hg19): chr4:82,031,640-82,031,641.
Other names: c.641_642insCAGCCACCTCTTCAGAGAAATGCAAAAATAACCTAACTAGTGATAAAGTGTATATACTTTAAGAGC, p.Trp214delinsCysSerHisLeuPheArgGluMetGlnLysTer (NM_001282480.1, NM_001282481.1); c.554_555insCAGCCACCTCTTCAGAGAAATGCAAAAATAACCTAACTAGTGATAAAGTGTATATACTTTAAGAGC, p.Trp185delinsCysSerHisLeuPheArgGluMetGlnLysTer (NM_001282482.1); c.461_462insCAGCCACCTCTTCAGAGAAATGCAAAAATAACCTAACTAGTGATAAAGTGTATATACTTTAAGAGC, p.Trp154delinsCysSerHisLeuPheArgGluMetGlnLysTer (NM_001282483.1); c.1814_1815insCAGCCACCTCTTCAGAGAAATGCAAAAATAACCTAACTAGTGATAAAGTGTATATACTTTAAGAGC, p.Trp605delinsCysSerHisLeuPheArgGluMetGlnLysTer (NM_001282485.2); c.1901_1902insCAGCCACCTCTTCAGAGAAATGCAAAAATAACCTAACTAGTGATAAAGTGTATATACTTTAAGAGC, p.Trp634delinsCysSerHisLeuPheArgGluMetGlnLysTer (NM_001363401.2).
Identifiers: ClinVar variation 2171670 (VCV002171670.1), dbSNP rs755949821, ClinGen allele CA2580071827.

ClinVar aggregate classification (germline): Pathogenic (1 of 4 stars; one submission).

Submission:

Labcorp Genetics (formerly Invitae), Labcorp
Classification: Pathogenic. Last evaluated: 2022-07-05. Review status: criteria provided, single submitter. Criteria: Invitae Variant Classification Sherloc (09022015). Collection method: clinical testing. Allele origin: germline.
Comment: This sequence change creates a premature translational stop signal (p.Trp634delinsCysSerHisLeuPheArgGluMetGlnLys*) in the PRKG2 gene. It is expected to result in an absent or disrupted protein product. Loss-of-function variants in PRKG2 are known to be pathogenic (PMID: 19149413, 33106379). This variant is not present in population databases (gnomAD no frequency). This variant has not been reported in the literature in individuals affected with PRKG2-related conditions. Algorithms developed to predict the effect of sequence changes on RNA splicing suggest that this variant may disrupt the consensus splice site. For these reasons, this variant has been classified as Pathogenic.

Literature cited by the submitters: PubMed 19149413; PubMed 33106379.